The following is an entry in ClinVar:

ClinVar aggregate classification (germline): Uncertain significance (1 of 4 stars; one submission).

Conditions:
Emery-Dreifuss muscular dystrophy 4, autosomal dominant (EDMD4). Also called: EMERY-DREIFUSS MUSCULAR DYSTROPHY 4 WITH VARIABLE FEATURES. Identifiers: Orphanet 261, MedGen C2751807, MONDO:0013071, OMIM 612998.
Autosomal recessive ataxia, Beauce type. Also called: Spinocerebellar ataxia, autosomal recessive 8; ATAXIA, RECESSIVE, OF BEAUCE; SYNE1-Related Autosomal Recessive Cerebellar Ataxia; SYNE1 Deficiency. Identifiers: Orphanet 88644, MedGen C1853116, MONDO:0012549, OMIM 610743.

Allele frequency attached by ClinVar (database versions not stated): gnomAD exomes below 0.00001.
gnomAD v4.1: 1 of 1,614,160 alleles (0.000062%); highest among the groups gnomAD compares: South Asian, 0.0011%; no homozygotes.

Submission:

Labcorp Genetics (formerly Invitae), Labcorp
Classification: Uncertain significance for Emery-Dreifuss muscular dystrophy 4, autosomal dominant; Spinocerebellar ataxia, autosomal recessive 8. Last evaluated: 2019-05-21. Review status: criteria provided, single submitter. Criteria: Invitae Variant Classification Sherloc (09022015). Collection method: clinical testing. Allele origin: germline.
Comment: This sequence change replaces leucine with proline at codon 4842 of the SYNE1 protein (p.Leu4842Pro). The leucine residue is highly conserved and there is a moderate physicochemical difference between leucine and proline. This variant is not present in population databases (ExAC no frequency). This variant has not been reported in the literature in individuals with SYNE1-related conditions. Algorithms developed to predict the effect of missense changes on protein structure and function (SIFT, PolyPhen-2, Align-GVGD) all suggest that this variant is likely to be disruptive, but these predictions have not been confirmed by published functional studies and their clinical significance is uncertain. In summary, the available evidence is currently insufficient to determine the role of this variant in disease. Therefore, it has been classified as a Variant of Uncertain Significance.

NM_182961.4(SYNE1):c.14738T>C (p.Leu4913Pro)

Gene: SYNE1 (spectrin repeat containing nuclear envelope protein 1; minus strand). Cytogenetic location: 6q25.2.
Variant type: single nucleotide variant.
Coding change: c.14738T>C on transcript NM_182961.4 (MANE Select); coding-DNA position 14738, T replaced by C.
Protein change: p.Leu4913Pro; replaces leucine 4913 with proline.
Molecular consequence: missense variant.
Genome position (GRCh38, 1-based): chr6:152,329,947, A>G on the plus strand (T>C on the coding strand, the complement: SYNE1 is on the minus strand). VCF-style: chr6-152329947-A-G. GRCh37 (hg19) VCF-style: chr6-152651082-A-G.
Other names: c.14525T>C, p.Leu4842Pro (NM_033071.5); short protein forms L4842P, L4913P.
Identifiers: ClinVar variation 933624 (VCV000933624.3), dbSNP rs2096206184, ClinGen allele CA366096627.